The following is an entry in ClinVar:

ClinVar aggregate classification (germline): Likely pathogenic (1 of 4 stars; one submission).

Conditions:
Loeys-Dietz syndrome (LDS). Identifiers: Orphanet 60030, MedGen C2697932, MONDO:0018954.

Submission:

Clinical Genetics Laboratory, Skane University Hospital Lund
Classification: Likely pathogenic for Loeys-Dietz syndrome. Last evaluated: 2026-07-13. Review status: criteria provided, single submitter. Criteria: ACMG Guidelines, 2015. Collection method: clinical testing. Allele origin: germline. Inheritance: Autosomal dominant inheritance. Affected: yes.
Comment: SMAD3 (NM_005902.4) c.601_604del, p.(Asp201Glnfs*39) constitutes a 4-base-pair deletion in exon 4 of 9, resulting in a frameshift, a premature stop codon, and thereby a truncated protein or loss of protein expression from the allele. SMAD3 c.601_604del has not been detected in the general population and has not been previously reported to ClinVar. The variant has been classified as likely pathogenic based on the following ACMG criteria: PVS1 and PM2.

NM_005902.4(SMAD3):c.601_604del (p.Asp201fs)

Gene: SMAD3 (SMAD family member 3; plus strand). Cytogenetic location: 15q22.33.
Variant type: Deletion.
Coding change: c.601_604del on transcript NM_005902.4 (MANE Select); coding-DNA positions 601 to 604, 4 bases deleted (GACG; older notation c.601_604delGACG).
Protein change: p.Asp201fs; shifts the reading frame from aspartic acid 201.
Molecular consequence: frameshift variant.
Genome position (GRCh38, 1-based): chr15:67,166,847-67,166,850, GACG deleted; deleting any 4 consecutive bases within chr15:67,166,846-67,166,850 gives the same sequence; the c. name uses the placement nearest the transcript's 3' end. VCF-style (leftmost placement, unchanged base first): chr15-67166845-TGGAC-T. GRCh37 (hg19) VCF-style: chr15-67459183-TGGAC-T.
Other names: c.286_289del, p.Asp96fs (NM_001145102.2, NM_001407016.1); c.469_472del, p.Asp157fs (NM_001145103.2, NM_001407012.1); c.16_19del, p.Asp6fs (NM_001145104.2, NM_001407017.1); c.601_604del, p.Asp201fs (NM_001407011.1, NM_001407013.1); c.454_457del, p.Asp152fs (NM_001407014.1); c.154_157del, p.Asp52fs (NM_001407015.1); short protein forms D152fs, D157fs, D201fs, D52fs, D6fs, D96fs.
Identifiers: ClinVar variation 4890891 (VCV004890891.1).